The following is an entry in ClinVar:

ClinVar aggregate classification (germline): Uncertain significance (1 of 4 stars; one submission).

gnomAD v4.1: 3 of 1,191,726 alleles (0.00025%); highest among the groups gnomAD compares: Admixed American, 0.0045%; no homozygotes.

Submission:

Ambry Genetics
Classification: Uncertain significance. Last evaluated: 2026-02-25. Review status: criteria provided, single submitter. Criteria: Ambry Variant Classification Scheme 2023. Collection method: clinical testing. Allele origin: germline.
Comment: The c.1888C>A (p.P630T) alteration is located in exon 16 (coding exon 16) of the ARHGAP4 gene. This alteration results from a C to A substitution at nucleotide position 1888, causing the proline (P) at amino acid position 630 to be replaced by a threonine (T). Based on data from gnomAD, the A allele has an overall frequency of 0.001% (1/142219) total alleles studied. The highest observed frequency was 0.004% (1/24600) of Latino alleles. Based on insufficient or conflicting evidence, the clinical significance of this alteration remains unclear.

NM_001666.5(ARHGAP4):c.1768C>A (p.Pro590Thr)

Gene: ARHGAP4 (Rho GTPase activating protein 4; minus strand). Cytogenetic location: Xq28.
Variant type: single nucleotide variant.
Coding change: c.1768C>A on transcript NM_001666.5 (MANE Select); coding-DNA position 1768, C replaced by A.
Protein change: p.Pro590Thr; replaces proline 590 with threonine.
Molecular consequence: missense variant.
Genome position (GRCh38, 1-based): chrX:153,910,748, G>T on the plus strand (C>A on the coding strand, the complement: ARHGAP4 is on the minus strand). VCF-style: chrX-153910748-G-T. GRCh37 (hg19) VCF-style: chrX-153176202-G-T.
Other names: c.1888C>A, p.Pro630Thr (NM_001164741.2); short protein forms P630T, P590T.
Identifiers: ClinVar variation 4840491 (VCV004840491.1).